The following is an entry in ClinVar:

ClinVar aggregate classification (germline): Likely benign (1 of 4 stars; one submission).

Conditions:
PLXNA3-related disorder. Also called: PLXNA3-related condition.

gnomAD v4.1: 11 of 1,209,202 alleles (0.00091%); highest among the groups gnomAD compares: African/African-American, 0.0035%; no homozygotes.

Submission:

PreventionGenetics, part of Exact Sciences
Classification: Likely benign for PLXNA3-related condition. Last evaluated: 2026-09-21. Review status: criteria provided, single submitter. Criteria: ACMG Guidelines, 2015. Collection method: clinical testing. Allele origin: germline.
Comment: This variant is classified as likely benign based on ACMG/AMP sequence variant interpretation guidelines (Richards et al. 2015 PMID: 25741868, with internal and published modifications).

NM_017514.5(PLXNA3):c.5484C>T (p.Asn1828=)

Gene: PLXNA3 (plexin A3; plus strand). Cytogenetic location: Xq28.
Variant type: single nucleotide variant.
Coding change: c.5484C>T on transcript NM_017514.5 (MANE Select); coding-DNA position 5484, C replaced by T.
Protein change: p.Asn1828=; no amino-acid change (asparagine 1828 retained).
Molecular consequence: synonymous variant.
Genome position (GRCh38, 1-based): chrX:154,471,602, C>T. VCF-style: chrX-154471602-C-T. GRCh37 (hg19) VCF-style: chrX-153699945-C-T.
Identifiers: ClinVar variation 4986672 (VCV004986672.1).